The following is an entry in ClinVar:

ClinVar aggregate classification (germline): Uncertain significance (1 of 4 stars; one submission).

Submission:

Ambry Genetics
Classification: Uncertain significance. Last evaluated: 2024-08-21. Review status: criteria provided, single submitter. Criteria: Ambry Variant Classification Scheme 2023. Collection method: clinical testing. Allele origin: germline.
Comment: The p.R159G variant (also known as c.475C>G), located in coding exon 6 of the NPAT gene, results from a C to G substitution at nucleotide position 475. The arginine at codon 159 is replaced by glycine, an amino acid with dissimilar properties. This amino acid position is conserved. In addition, this alteration is predicted to be tolerated by in silico analysis. Based on the available evidence, the clinical significance of this variant remains unclear.

NM_002519.3(NPAT):c.475C>G (p.Arg159Gly)

Gene: NPAT (nuclear protein, coactivator of histone transcription; minus strand). Cytogenetic location: 11q22.3.
Variant type: single nucleotide variant.
Coding change: c.475C>G on transcript NM_002519.3 (MANE Select); coding-DNA position 475, C replaced by G.
Protein change: p.Arg159Gly; replaces arginine 159 with glycine.
Molecular consequence: missense variant.
Genome position (GRCh38, 1-based): chr11:108,189,187, G>C on the plus strand (C>G on the coding strand, the complement: NPAT is on the minus strand). VCF-style: chr11-108189187-G-C. GRCh37 (hg19) VCF-style: chr11-108059914-G-C.
Other names: c.475C>G, p.Arg159Gly (NM_001321307.1); short protein forms R159G.
Identifiers: ClinVar variation 3407137 (VCV003407137.1).
Genomic context (GRCh38, chr11:108,189,187, plus strand): 5'-GTGAGTGGTTGACCACTACAAAATATGACCTCGATGGATCTGAAATTTGGCCACTTGGTC[G>C]AGTAACCTGTGTACCTGTGGAAGGAGGAGTGGTAAACTGTCCTGAAAGGTAAGGTAAAGT-3'
Protein context (NP_002510.2, residues 149-169): TPPSTGTQVT[Arg159Gly]PSGQISDPSR